The following is an entry in ClinVar:

ClinVar aggregate classification (germline): Uncertain significance (1 of 4 stars; one submission).

Conditions:
Progressive microcephaly-seizures-cortical blindness-developmental delay syndrome. Also called: Seizures, cortical blindness, and microcephaly syndrome. Identifiers: Orphanet 477814, MedGen C5567650, MONDO:0014714, OMIM 616632.
Autosomal dominant nonsyndromic hearing loss 1. Also called: KONIGSMARK SYNDROME; DEAFNESS, AUTOSOMAL DOMINANT 1, WITH OR WITHOUT THROMBOCYTOPENIA. Identifiers: Orphanet 90635, MedGen C1852282, MONDO:0007424, OMIM 124900.

Allele frequency attached by ClinVar (database versions not stated): TOPMed 0.00001.

Submission:

Labcorp Genetics (formerly Invitae), Labcorp
Classification: Uncertain significance for Progressive microcephaly-seizures-cortical blindness-developmental delay syndrome; Autosomal dominant nonsyndromic hearing loss 1. Last evaluated: 2025-06-18. Review status: criteria provided, single submitter. Criteria: Invitae Variant Classification Sherloc (09022015). Collection method: clinical testing. Allele origin: germline.
Comment: This sequence change replaces lysine, which is basic and polar, with asparagine, which is neutral and polar, at codon 559 of the DIAPH1 protein (p.Lys559Asn). This variant is present in population databases (no rsID available, gnomAD 0.01%). This variant has not been reported in the literature in individuals affected with DIAPH1-related conditions. ClinVar contains an entry for this variant (Variation ID: 2932565). Experimental studies and prediction algorithms are not available or were not evaluated, and the functional significance of this variant is currently unknown. In summary, the available evidence is currently insufficient to determine the role of this variant in disease. Therefore, it has been classified as a Variant of Uncertain Significance.

NM_005219.5(DIAPH1):c.1677G>T (p.Lys559Asn)

Gene: DIAPH1 (diaphanous related formin 1; minus strand). Cytogenetic location: 5q31.3.
Variant type: single nucleotide variant.
Coding change: c.1677G>T on transcript NM_005219.5 (MANE Select); coding-DNA position 1677, G replaced by T.
Protein change: p.Lys559Asn; replaces lysine 559 with asparagine.
Molecular consequence: missense variant.
Genome position (GRCh38, 1-based): chr5:141,574,173, C>A on the plus strand (G>T on the coding strand, the complement: DIAPH1 is on the minus strand). VCF-style: chr5-141574173-C-A. GRCh37 (hg19) VCF-style: chr5-140953740-C-A.
Other names: c.1650G>T, p.Lys550Asn (NM_001079812.3); c.1677G>T, p.Lys559Asn (NM_001314007.2); short protein forms K550N, K559N.
Identifiers: ClinVar variation 2932565 (VCV002932565.3), dbSNP rs954110746, ClinGen allele CA128437493.